The following is an entry in ClinVar:

ClinVar aggregate classification (germline): Uncertain significance (1 of 4 stars; one submission).

Conditions:
Cortical dysplasia, complex, with other brain malformations 13. Also called: Intellectual disability, autosomal dominant 13. Identifiers: MedGen C3281202, MONDO:0013805, OMIM 614563.
Autosomal dominant childhood-onset proximal spinal muscular atrophy without contractures. Also called: SPINAL MUSCULAR ATROPHY, CHILDHOOD, PROXIMAL, AUTOSOMAL DOMINANT; SPINAL MUSCULAR ATROPHY, JUVENILE, PROXIMAL, AUTOSOMAL DOMINANT; KUGELBERG-WELANDER SYNDROME, AUTOSOMAL DOMINANT; Spinal muscular atrophy, lower extremity-predominant 1, AD. Identifiers: Orphanet 209341, Orphanet 363447, MedGen C5780022, MONDO:0008026, OMIM 158600.
Charcot-Marie-Tooth disease axonal type 2O. Also called: CHARCOT-MARIE-TOOTH NEUROPATHY, AXONAL, TYPE 2O; CHARCOT-MARIE-TOOTH DISEASE, AXONAL, AUTOSOMAL DOMINANT, TYPE 2O; Charcot-Marie-Tooth Neuropathy Type 2O; Charcot-Marie-Tooth disease, axonal, type 20. Identifiers: Orphanet 284232, MedGen C3280220, MONDO:0013644, OMIM 614228.

Submission:

Juno Genomics, Hangzhou Juno Genomics, Inc
Classification: Uncertain significance for Cortical dysplasia, complex, with other brain malformations 13; Charcot-Marie-Tooth disease axonal type 2O; Autosomal dominant childhood-onset proximal spinal muscular atrophy without contractures. Review status: criteria provided, single submitter. Criteria: ACMG Guidelines, 2015. Collection method: clinical testing. Allele origin: germline.
Comment: Absent from controls (or at extremely low frequency if recessive) in Genome Aggregation Database.;Missense variant in a gene that has a low rate of benign missense variation.

NM_001376.5(DYNC1H1):c.2209G>A (p.Val737Ile)

Gene: DYNC1H1 (dynein cytoplasmic 1 heavy chain 1; plus strand). Cytogenetic location: 14q32.31.
Variant type: single nucleotide variant.
Coding change: c.2209G>A on transcript NM_001376.5 (MANE Select); coding-DNA position 2209, G replaced by A.
Protein change: p.Val737Ile; replaces valine 737 with isoleucine.
Molecular consequence: missense variant.
Genome position (GRCh38, 1-based): chr14:101,986,434, G>A. VCF-style: chr14-101986434-G-A. GRCh37 (hg19) VCF-style: chr14-102452771-G-A.
Other names: short protein forms V737I.
Identifiers: ClinVar variation 5005277 (VCV005005277.2).
Genomic context (GRCh38, chr14:101,986,434, plus strand): 5'-ATTTTCACCATCGAAAGTACTCGGGTTCGGGGCCGAACTGGAAATGTGCTTAAGCTGAAA[G>A]TTAACTTTCTTCCTGAGATTATCACACTATCCAAAGAAGTCCGGAACCTCAAATGGCTTG-3'
Protein context (NP_001367.2, residues 727-747): GRTGNVLKLK[Val737Ile]NFLPEIITLS